The following is an entry in ClinVar:

ClinVar aggregate classification (germline): Uncertain significance. Review status: criteria provided, multiple submitters, no conflicts (2 of 4 stars). 2 submissions from 2 submitters: Uncertain significance (2). Last evaluated 2024-10-15.

Conditions:
Inborn genetic diseases. Identifiers: MedGen C0950123, MeSH D030342.
MEGF8-related Carpenter syndrome. Also called: Carpenter syndrome 2. Identifiers: Orphanet 65759, MedGen C3554247, MONDO:0013998, OMIM 614976.

Allele frequency attached by ClinVar (database versions not stated): gnomAD exomes 0.00005 and 0.00011; gnomAD 0.00006 and 0.00007; ExAC 0.00008; TOPMed 0.00008.
gnomAD v4.1: 169 of 1,600,632 alleles (0.011%); highest among the groups gnomAD compares: Middle Eastern, 0.017%; no homozygotes.

Submissions (2):

Labcorp Genetics (formerly Invitae), Labcorp
Classification: Uncertain significance for MEGF8-related Carpenter syndrome. Last evaluated: 2024-10-15. Review status: criteria provided, single submitter. Criteria: Invitae Variant Classification Sherloc (09022015). Collection method: clinical testing. Allele origin: germline.
Comment: This sequence change replaces arginine, which is basic and polar, with cysteine, which is neutral and slightly polar, at codon 1153 of the MEGF8 protein (p.Arg1153Cys). This variant is present in population databases (rs762398666, gnomAD 0.01%). This variant has not been reported in the literature in individuals affected with MEGF8-related conditions. ClinVar contains an entry for this variant (Variation ID: 1383538). An algorithm developed to predict the effect of missense changes on protein structure and function (PolyPhen-2) suggests that this variant is likely to be disruptive. In summary, the available evidence is currently insufficient to determine the role of this variant in disease. Therefore, it has been classified as a Variant of Uncertain Significance.

Ambry Genetics
Classification: Uncertain significance for Inborn genetic diseases. Last evaluated: 2023-08-14. Review status: criteria provided, single submitter. Criteria: Ambry Variant Classification Scheme 2023. Collection method: clinical testing. Allele origin: germline.

NM_001271938.2(MEGF8):c.3658C>T (p.Arg1220Cys)

Gene: MEGF8 (multiple EGF like domains 8; plus strand). Cytogenetic location: 19q13.2.
Variant type: single nucleotide variant.
Coding change: c.3658C>T on transcript NM_001271938.2 (MANE Select); coding-DNA position 3658, C replaced by T.
Protein change: p.Arg1220Cys; replaces arginine 1220 with cysteine.
Molecular consequence: missense variant.
Genome position (GRCh38, 1-based): chr19:42,353,572, C>T. VCF-style: chr19-42353572-C-T. GRCh37 (hg19) VCF-style: chr19-42857724-C-T.
Other names: c.3457C>T, p.Arg1153Cys (NM_001410.3); c.3457C>T (NM_001410.2); short protein forms R1220C, R1153C.
Identifiers: ClinVar variation 1383538 (VCV001383538.6), dbSNP rs762398666, ClinGen allele CA9475044.